The following is an entry in ClinVar:

NM_006846.4(SPINK5):c.1258A>G (p.Lys420Glu)

Gene: SPINK5 (serine peptidase inhibitor Kazal type 5; plus strand). Cytogenetic location: 5q32.
Variant type: single nucleotide variant.
Coding change: c.1258A>G on transcript NM_006846.4 (MANE Select); coding-DNA position 1258, A replaced by G.
Protein change: p.Lys420Glu; replaces lysine 420 with glutamic acid.
Molecular consequence: missense variant.
Genome position (GRCh38, 1-based): chr5:148,101,392, A>G. VCF-style: chr5-148101392-A-G. GRCh37 (hg19) VCF-style: chr5-147480955-A-G.
Other names: E420K; c.1258A>G, p.Lys420Glu (NM_001127698.2, NM_001127699.2); short protein forms K420E.
Identifiers: ClinVar variation 5269 (VCV000005269.28), dbSNP rs2303067, ClinGen allele CA117365.

ClinVar aggregate classification (germline): Benign/Likely benign. Review status: criteria provided, multiple submitters, no conflicts (2 of 4 stars). 12 submissions from 12 submitters: Benign (10); Likely benign (1). 1 of the submissions does not count toward it. Last evaluated 2026-02-04.

Conditions:
Ichthyosis linearis circumflexa. Identifiers: MedGen C0265962, MONDO:0043106, HP:0025810.
SPINK5 POLYMORPHISM.
Netherton syndrome (NETH). Also called: NETHERTON DISEASE; ERYTHRODERMA, ICHTHYOSIFORM, WITH HYPOTRICHOSIS AND HYPER-IgE; COMEL-NETHERTON SYNDROME. Identifiers: Orphanet 634, MedGen C5574950, MONDO:0009735, OMIM 256500.

Allele frequency attached by ClinVar (database versions not stated): 1000 Genomes Project 30x 0.43067; 1000 Genomes Project 0.43311; gnomAD 0.44148 and 0.44635; TOPMed 0.44538; ExAC 0.50788; gnomAD exomes 0.51532 and 0.52065.
gnomAD v4.1: 815,517 of 1,604,162 alleles (51%); highest among the groups gnomAD compares: Admixed American, 66%; 212,969 homozygotes.

Submissions (12):

Labcorp Genetics (formerly Invitae), Labcorp
Classification: Benign for Ichthyosis linearis circumflexa. Last evaluated: 2026-02-04. Review status: criteria provided, single submitter. Criteria: Invitae Variant Classification Sherloc (09022015). Collection method: clinical testing. Allele origin: germline.

Women's Health and Genetics/Laboratory Corporation of America, LabCorp
Classification: Benign. Last evaluated: 2026-01-08. Review status: criteria provided, single submitter. Criteria: LabCorp Variant Classification Summary - May 2015. Collection method: clinical testing. Allele origin: germline.

Blueprint Genetics
Classification: Likely benign. Last evaluated: 2024-11-26. Review status: criteria provided, single submitter. Criteria: ACMG Guidelines, 2015. Collection method: clinical testing. Allele origin: germline.

Unidad de Genómica Garrahan, Hospital de Pediatría Garrahan
Classification: Benign. Last evaluated: 2024-01-24. Review status: criteria provided, single submitter. Criteria: ACMG Guidelines, 2015. Collection method: clinical testing. Allele origin: germline. Affected: no. Observed: 78 variant alleles.
Comment: This variant is classified as Benign based on local population frequency. This variant was detected in 89% of patients studied by a panel of primary immunodeficiencies. Number of patients: 78. Only high quality variants are reported.

Genome-Nilou Lab
Classification: Benign for Netherton syndrome. Last evaluated: 2021-07-15. Review status: criteria provided, single submitter. Criteria: ACMG Guidelines, 2015. Collection method: clinical testing. Allele origin: germline. Affected: no.

Mayo Clinic Laboratories, Mayo Clinic
Classification: Benign. Last evaluated: 2018-07-03. Review status: criteria provided, single submitter. Criteria: ACMG Guidelines, 2015. Collection method: clinical testing. Allele origin: germline. Observed: 98 variant alleles.

Illumina Laboratory Services, Illumina
Classification: Benign for Netherton syndrome. Last evaluated: 2018-03-06. Review status: criteria provided, single submitter. Criteria: ICSL Variant Classification Criteria 13 December 2019. Collection method: clinical testing. Allele origin: germline.
Comment: This variant was observed in the ICSL laboratory as part of a predisposition screen in an ostensibly healthy population. It had not been previously curated by ICSL or reported in the Human Gene Mutation Database (HGMD: prior to June 1st, 2018), and was therefore a candidate for classification through an automated scoring system. Utilizing variant allele frequency, disease prevalence and penetrance estimates, and inheritance mode, an automated score was calculated to assess if this variant is too frequent to cause the disease. Based on the score and internal cut-off values, a variant classified as benign is not then subjected to further curation. The score for this variant resulted in a classification of benign for this disease.

Laboratory for Molecular Medicine, Mass General Brigham Personalized Medicine
Classification: Benign. Last evaluated: 2016-03-28. Review status: criteria provided, single submitter. Criteria: LMM Criteria. Collection method: clinical testing. Allele origin: germline.
Comment: Variant identified in a genome or exome case(s) and assessed due to predicted null impact of the variant or pathogenic assertions in the literature or databases. Disclaimer: This variant has not undergone full assessment. The following are preliminary notes: Frequency. Variant questionably associated with atopic dermatitis, asthma, total serum IgE levels when maternally inherited.

Eurofins Ntd Llc (ga)
Classification: Benign. Last evaluated: 2015-08-27. Review status: criteria provided, single submitter. Criteria: EGL Classification Definitions 2015. Collection method: clinical testing. Allele origin: germline. Observed: 1 variant allele, 1 heterozygote.

GeneDx
Classification: Benign. Last evaluated: 2015-03-03. Review status: criteria provided, single submitter. Criteria: GeneDx Variant Classification Process June 2021. Collection method: clinical testing. Allele origin: germline. Affected: yes.
Comment: This variant is associated with the following publications: (PMID: 11544479, 25458912, 22730493, 19534795)

PreventionGenetics, part of Exact Sciences
Classification: Benign. Review status: criteria provided, single submitter. Criteria: ACMG Guidelines, 2015. Collection method: clinical testing. Allele origin: germline.

OMIM
Classification: Benign for SPINK5 POLYMORPHISM. Last evaluated: 2003-04-01. Review status: no assertion criteria provided. Collection method: literature only. Allele origin: germline. Not counted in ClinVar's aggregate classification.

Literature cited by the submitters: Hamosh, A. Personal Communication. 2017. Baltimore, Md. (cited by OMIM); PubMed 11544479 (cited by OMIM); PubMed 12752122 (cited by OMIM).